The following is an entry in ClinVar:

NM_004380.3(CREBBP):c.3381_3390delinsATCCTTAA (p.Asp1127fs)

Gene: CREBBP (CREB binding lysine acetyltransferase; minus strand). Cytogenetic location: 16p13.3.
Variant type: Indel.
Coding change: c.3381_3390delinsATCCTTAA on transcript NM_004380.3 (MANE Select); coding-DNA positions 3381 to 3390, CATCGTAAAG replaced by ATCCTTAA.
Protein change: p.Asp1127fs; shifts the reading frame from aspartic acid 1127.
Molecular consequence: frameshift variant.
Genome position (GRCh38, 1-based): chr16:3,758,028-3,758,037, CTTTACGATG replaced by TTAAGGAT on the plus strand (CATCGTAAAG replaced by ATCCTTAA on the coding strand, the reverse complement: CREBBP is on the minus strand). VCF-style: chr16-3758028-CTTTACGATG-TTAAGGAT. GRCh37 (hg19) VCF-style: chr16-3808029-CTTTACGATG-TTAAGGAT.
Other names: c.3267_3276delinsATCCTTAA, p.Asp1089fs (NM_001079846.1); short protein forms D1089fs, D1127fs.
Identifiers: ClinVar variation 4849232 (VCV004849232.1).
Genomic context (GRCh38, chr16:3,758,028, plus strand): 5'-GGGCTCTTGGTATTGCCCTGTGTCCAGCTTCCGCTTGATGGTGGAGAGGTCCATGGGATT[CTTTACGATG>TTAAGGAT]TCAAAATAGTCCTTAAAAAAAAAAAAATGGTCTCAGTATAGGGAATCCCCCAATATCCAA-3'

ClinVar aggregate classification (germline): Pathogenic (1 of 4 stars; one submission).

Conditions:
Rubinstein-Taybi syndrome due to CREBBP mutations (RSTS1). Also called: RUBINSTEIN-TAYBI SYNDROME 1, INCOMPLETE; BROAD THUMB-HALLUX SYNDROME; CREBBP-Related Rubinstein-Taybi Syndrome; RUBINSTEIN SYNDROME; Rubinstein-Taybi syndrome 1; BROAD THUMBS AND GREAT TOES, CHARACTERISTIC FACIES, AND IMPAIRED INTELLECTUAL DEVELOPMENT. Identifiers: Orphanet 353277, Orphanet 783, MedGen C4551859, MONDO:0008393, OMIM 180849.

Submission:

Division of Genetic & Genomic Pathology, Hong Kong Children's Hospital
Classification: Pathogenic for Rubinstein-Taybi syndrome due to CREBBP mutations. Last evaluated: 2025-10-21. Review status: criteria provided, single submitter. Criteria: ACMG Guidelines, 2015. Collection method: clinical testing. Allele origin: germline. Affected: yes.
Comment: CREBBP c.3381_3390delinsATCCTTAA p.(Asp1127GlufsTer41) is a frameshift variant located in exon 18 (out of 31 exons). It creates a premature stop codon and is predicted to cause loss of protein function through nonsense-mediated mRNA decay. Loss of function is the pathogenicity mechanism of CREBBP. The variant is absent in population databases (gnomAD v4.1.0 and gnomAD v2.1.1) and not reported in clinical databases or the literature. For these reasons, the variant is classified as pathogenic.